The following is an entry in ClinVar:

ClinVar aggregate classification (germline): Pathogenic. Review status: criteria provided, multiple submitters, no conflicts (2 of 4 stars). 2 submissions from 2 submitters: Pathogenic (2). Last evaluated 2022-03-19.

Conditions:
Developmental and epileptic encephalopathy, 9 (DEE9). Also called: Early infantile epileptic encephalopathy 9; PCDH19-Related X-Linked Female-Limited Epilepsy with Mental Retardation; EPILEPSY, FEMALE-RESTRICTED, WITH MENTAL RETARDATION; JUBERG-HELLMAN SYNDROME. Identifiers: Orphanet 101039, Orphanet 2076, MedGen C1848137, MONDO:0010246, OMIM 300088. Disease mechanism: loss of function.

Submissions (2):

Labcorp Genetics (formerly Invitae), Labcorp
Classification: Pathogenic for Developmental and epileptic encephalopathy, 9. Last evaluated: 2022-03-19. Review status: criteria provided, single submitter. Criteria: Invitae Variant Classification Sherloc (09022015). Collection method: clinical testing. Allele origin: germline.
Comment: For these reasons, this variant has been classified as Pathogenic. ClinVar contains an entry for this variant (Variation ID: 287127). This premature translational stop signal has been observed in individual(s) with clinical features of PCDH19-related conditions (PMID: 29056246). This variant is not present in population databases (gnomAD no frequency). This sequence change creates a premature translational stop signal (p.Thr422Asnfs*23) in the PCDH19 gene. It is expected to result in an absent or disrupted protein product. Loss-of-function variants in PCDH19 are known to be pathogenic (PMID: 21053371).

Eurofins Ntd Llc (ga)
Classification: Pathogenic. Last evaluated: 2016-05-10. Review status: criteria provided, single submitter. Criteria: EGL Classification Definitions 2015. Collection method: clinical testing. Allele origin: germline. Observed: 1 variant allele, 1 heterozygote.

Literature cited by the submitters: PubMed 29056246 (cited by Labcorp Genetics (formerly Invitae), Labcorp); PubMed 21053371 (cited by Labcorp Genetics (formerly Invitae), Labcorp).

NM_001184880.2(PCDH19):c.1265_1266del (p.Thr422fs)

Gene: PCDH19 (protocadherin 19; minus strand). Cytogenetic location: Xq22.1.
Variant type: Microsatellite.
Coding change: c.1265_1266del on transcript NM_001184880.2 (MANE Select); coding-DNA positions 1265 to 1266, 2 bases deleted (CA; older notation c.1265_1266delCA).
Protein change: p.Thr422fs; shifts the reading frame from threonine 422.
Molecular consequence: frameshift variant.
Genome position (GRCh38, 1-based): chrX:100,407,332-100,407,333, TG deleted on the plus strand (CA on the coding strand, the reverse complement: PCDH19 is on the minus strand); deleting any 2 consecutive bases within chrX:100,407,332-100,407,335 gives the same sequence; the c. name uses the placement nearest the transcript's 3' end. VCF-style (leftmost placement, unchanged base first): chrX-100407331-TTG-T. GRCh37 (hg19) VCF-style: chrX-99662329-TTG-T.
Other names: c.1265_1266del, p.Thr422fs (NM_001105243.2, NM_020766.3); short protein forms T422fs.
Identifiers: ClinVar variation 287127 (VCV000287127.14), dbSNP rs886043572, ClinGen allele CA10605674.